The following is an entry in ClinVar:

NM_000443.4(ABCB4):c.1910T>A (p.Ile637Asn)

Gene: ABCB4 (ATP binding cassette subfamily B member 4; minus strand). Cytogenetic location: 7q21.12.
Variant type: single nucleotide variant.
Coding change: c.1910T>A on transcript NM_000443.4 (MANE Select); coding-DNA position 1910, T replaced by A.
Protein change: p.Ile637Asn; replaces isoleucine 637 with asparagine.
Molecular consequence: missense variant.
Genome position (GRCh38, 1-based): chr7:87,426,904, A>T on the plus strand (T>A on the coding strand, the complement: ABCB4 is on the minus strand). VCF-style: chr7-87426904-A-T. GRCh37 (hg19) VCF-style: chr7-87056220-A-T.
Other names: c.1910T>A (NM_000443.3); c.1910T>A, p.Ile637Asn (NM_018849.3, NM_018850.3); short protein forms I637N.
Identifiers: ClinVar variation 1049650 (VCV001049650.3), dbSNP rs202167250, ClinGen allele CA4327165.

ClinVar aggregate classification (germline): Uncertain significance. Review status: criteria provided, multiple submitters, no conflicts (2 of 4 stars). 4 submissions from 4 submitters: Uncertain significance (3). 1 of the submissions does not count toward it. Last evaluated 2026-08-06.

Conditions:
Cholestasis, intrahepatic, of pregnancy, 3. Identifiers: Orphanet 69665, MedGen C3554241, MONDO:0013995, OMIM 614972.
ABCB4-related disorder. Also called: ABCB4-related disorders; ABCB4-related condition.

Allele frequency attached by ClinVar (database versions not stated): gnomAD exomes 0.00011 and 0.00010; gnomAD 0.00008 and 0.00012; ExAC 0.00012; ESP Exome Variant Server 0.00015.
gnomAD v4.1: 170 of 1,612,816 alleles (0.011%); highest among the groups gnomAD compares: Middle Eastern, 0.083%; no homozygotes.

Submissions (4):

OLLIN Analises Genomicas, OLLIN
Classification: Uncertain significance for Cholestasis, intrahepatic, of pregnancy, 3. Last evaluated: 2026-08-06. Review status: criteria provided, single submitter. Criteria: ACMG Guidelines 2015 PMID 25741868. Collection method: clinical testing. Allele origin: germline. Inheritance: Autosomal dominant inheritance.
Comment: This missense variant, located in exon 16 (of 28), has been reported in ClinVar (accession VCV001049650.2) and in gnomAD with an allele frequency of 0.0105%. However, to our knowledge, it has not been reported in the scientific literature. In silico analysis predicts that this variant has a tolerated effect. This gene is constrained for missense variation. According to the currently available evidence, this variant has been classified as uncertain significance (PM2_P, PP2, BP4_M).

PreventionGenetics, part of Exact Sciences
Classification: Uncertain significance for ABCB4-related condition. Last evaluated: 2025-04-23. Review status: criteria provided, single submitter. Criteria: ACMG Guidelines, 2015. Collection method: clinical testing. Allele origin: germline.
Comment: The ABCB4 c.1910T>A variant is predicted to result in the amino acid substitution p.Ile637Asn. To our knowledge, this variant has not been reported in the literature. This variant is reported in 0.052% of alleles in individuals of South Asian descent in gnomAD. Although we suspect that this variant may be benign, at this time, the clinical significance of this variant is uncertain due to the absence of conclusive functional and genetic evidence.

Labcorp Genetics (formerly Invitae), Labcorp
Classification: Uncertain significance. Last evaluated: 2024-10-24. Review status: criteria provided, single submitter. Criteria: Invitae Variant Classification Sherloc (09022015). Collection method: clinical testing. Allele origin: germline.
Comment: This sequence change replaces isoleucine, which is neutral and non-polar, with asparagine, which is neutral and polar, at codon 637 of the ABCB4 protein (p.Ile637Asn). This variant is present in population databases (rs202167250, gnomAD 0.05%). This variant has not been reported in the literature in individuals affected with ABCB4-related conditions. ClinVar contains an entry for this variant (Variation ID: 1049650). Invitae Evidence Modeling of protein sequence and biophysical properties (such as structural, functional, and spatial information, amino acid conservation, physicochemical variation, residue mobility, and thermodynamic stability) indicates that this missense variant is not expected to disrupt ABCB4 protein function with a negative predictive value of 80%. In summary, the available evidence is currently insufficient to determine the role of this variant in disease. Therefore, it has been classified as a Variant of Uncertain Significance.

Department of Pathology and Laboratory Medicine, Sinai Health System
Classification: Uncertain significance. Review status: no assertion criteria provided. Collection method: clinical testing. Allele origin: unknown. Affected: yes. Study: The Canadian Open Genetics Repository (COGR). Not counted in ClinVar's aggregate classification.
Comment: The ABCB4 p.Ile637Asn variant was not identified in the literature nor was it identified in ClinVar, Cosmic, or LOVD 3.0. The variant was identified in dbSNP (ID: rs202167250) and in control databases in 32 of 281814 chromosomes at a frequency of 0.0001136 (Genome Aggregation Database March 6, 2019, v2.1.1). The variant was observed in the following populations: South Asian in 16 of 30598 chromosomes (freq: 0.000523), Other in 1 of 7190 chromosomes (freq: 0.000139), European (non-Finnish) in 14 of 128404 chromosomes (freq: 0.000109) and Latino in 1 of 35400 chromosomes (freq: 0.000028), but was not observed in the African, Ashkenazi Jewish, East Asian, and European (Finnish) populations. The variant occurs outside of the splicing consensus sequence and in silico splicing prediction programs (SpliceSiteFinder-like, NNSPLICE, MaxEntScan and GeneSplicer) do not predict a greater than 10% difference in splicing. The p.Ile637 residue is not conserved in mammals and four of five computational analyses (PolyPhen-2, SIFT, AlignGVGD, BLOSUM, MutationTaster) do not suggest a high likelihood of impact to the protein; however, this information is not predictive enough to rule out pathogenicity. In summary, based on the above information the clinical significance of this variant cannot be determined with certainty at this time. This variant is classified as a variant of uncertain significance.